The following is an entry in ClinVar:

ClinVar aggregate classification (germline): Uncertain significance. Review status: criteria provided, multiple submitters, no conflicts (2 of 4 stars). 2 submissions from 2 submitters: Uncertain significance (2). Last evaluated 2024-02-24.

Conditions:
Early-infantile DEE. Also called: Ohtahara syndrome; Early infantile epileptic encephalopathy; Early infantile epileptic encephalopathy with suppression bursts. Identifiers: Orphanet 1934, MedGen C0393706, MONDO:0800491.
Inborn genetic diseases. Identifiers: MedGen C0950123, MeSH D030342.

Allele frequency attached by ClinVar (database versions not stated): gnomAD exomes below 0.00001 and 0.00002; gnomAD 0.00001; ExAC 0.00003; TOPMed 0.00003.

Submissions (2):

Labcorp Genetics (formerly Invitae), Labcorp
Classification: Uncertain significance for Early-infantile DEE. Last evaluated: 2024-02-24. Review status: criteria provided, single submitter. Criteria: Invitae Variant Classification Sherloc (09022015). Collection method: clinical testing. Allele origin: germline.
Comment: This sequence change replaces arginine, which is basic and polar, with histidine, which is basic and polar, at codon 784 of the CACNA2D2 protein (p.Arg784His). This variant is present in population databases (rs779297579, gnomAD 0.01%). This variant has not been reported in the literature in individuals affected with CACNA2D2-related conditions. ClinVar contains an entry for this variant (Variation ID: 949656). An algorithm developed to predict the effect of missense changes on protein structure and function (PolyPhen-2) suggests that this variant is likely to be tolerated. In summary, the available evidence is currently insufficient to determine the role of this variant in disease. Therefore, it has been classified as a Variant of Uncertain Significance.

Ambry Genetics
Classification: Uncertain significance for Inborn genetic diseases. Last evaluated: 2023-06-06. Review status: criteria provided, single submitter. Criteria: Ambry Variant Classification Scheme 2023. Collection method: clinical testing. Allele origin: germline.

NM_006030.4(CACNA2D2):c.2351G>A (p.Arg784His)

Genes: CACNA2D2 (calcium voltage-gated channel auxiliary subunit alpha2delta 2; minus strand), LOC101928965 (uncharacterized LOC101928965; plus strand), LOC127898564 (CYB561D2-LOC101928965; plus strand). Cytogenetic location: 3p21.31.
Variant type: single nucleotide variant.
Coding change: c.2351G>A on transcript NM_006030.4 (MANE Select); coding-DNA position 2351, G replaced by A.
Protein change: p.Arg784His; replaces arginine 784 with histidine.
Molecular consequence: missense variant.
Genome position (GRCh38, 1-based): chr3:50,367,444, C>T on the plus strand (G>A on the coding strand, the complement: CACNA2D2 is on the minus strand). VCF-style: chr3-50367444-C-T. GRCh37 (hg19) VCF-style: chr3-50404875-C-T.
Other names: c.2351G>A, p.Arg784His (NM_001005505.3); c.2372G>A, p.Arg791His (NM_001174051.3); c.2144G>A, p.Arg715His (NM_001291101.1); c.2372G>A (NM_001174051.1); short protein forms R715H, R791H, R784H.
Identifiers: ClinVar variation 949656 (VCV000949656.9), dbSNP rs779297579, ClinGen allele CA2418510.